The following is an entry in ClinVar:

ClinVar aggregate classification (germline): Uncertain significance (1 of 4 stars; one submission).

Conditions:
Charcot-Marie-Tooth disease axonal type 2P. Also called: CHARCOT-MARIE-TOOTH NEUROPATHY, TYPE 2P; Charcot-Marie-Tooth Neuropathy Type 2G; CHARCOT-MARIE-TOOTH DISEASE, AXONAL, TYPE 2G; CMT 2G. Identifiers: Orphanet 300319, Orphanet 99941, MedGen C3280797, MONDO:0013753, OMIM 614436.

Submission:

Labcorp Genetics (formerly Invitae), Labcorp
Classification: Uncertain significance for Charcot-Marie-Tooth disease axonal type 2P. Last evaluated: 2025-11-24. Review status: criteria provided, single submitter. Criteria: Invitae Variant Classification Sherloc (09022015). Collection method: clinical testing. Allele origin: germline.
Comment: This sequence change replaces valine, which is neutral and non-polar, with phenylalanine, which is neutral and non-polar, at codon 676 of the LRSAM1 protein (p.Val676Phe). This variant is not present in population databases (gnomAD no frequency). This variant has not been reported in the literature in individuals affected with LRSAM1-related conditions. ClinVar contains an entry for this variant (Variation ID: 2005761). Invitae Evidence Modeling of protein sequence and biophysical properties (such as structural, functional, and spatial information, amino acid conservation, physicochemical variation, residue mobility, and thermodynamic stability) indicates that this missense variant is expected to disrupt LRSAM1 protein function with a positive predictive value of 80%. In summary, the available evidence is currently insufficient to determine the role of this variant in disease. Therefore, it has been classified as a Variant of Uncertain Significance.

NM_001005373.4(LRSAM1):c.2026G>T (p.Val676Phe)

Gene: LRSAM1 (leucine rich repeat and sterile alpha motif containing 1; plus strand). Cytogenetic location: 9q34.11.
Variant type: single nucleotide variant.
Coding change: c.2026G>T on transcript NM_001005373.4 (MANE Select); coding-DNA position 2026, G replaced by T.
Protein change: p.Val676Phe; replaces valine 676 with phenylalanine.
Molecular consequence: missense variant. On other transcripts: non-coding transcript variant (2).
Genome position (GRCh38, 1-based): chr9:127,501,123, G>T. VCF-style: chr9-127501123-G-T. GRCh37 (hg19) VCF-style: chr9-130263402-G-T.
Other names: c.2026G>T, p.Val676Phe (NM_001005374.4, NM_001384142.1, NM_138361.5); c.1945G>T, p.Val649Phe (NM_001190723.3); c.1927G>T, p.Val643Phe (NM_001384143.1); c.1237G>T, p.Val413Phe (NM_001384144.1); short protein forms V413F, V649F, V676F, V643F.
Identifiers: ClinVar variation 2005761 (VCV002005761.4), dbSNP rs1485372771, ClinGen allele CA374938335.